The following is an entry in ClinVar:

NM_006267.5(RANBP2):c.7849+4A>G

Gene: RANBP2 (RAN binding protein 2; plus strand). Cytogenetic location: 2q13.
Variant type: single nucleotide variant.
Coding change: c.7849+4A>G on transcript NM_006267.5 (MANE Select); 4 bases into the intron after coding-DNA position 7849, A replaced by G.
Molecular consequence: intron variant.
Genome position (GRCh38, 1-based): chr2:108,768,392, A>G. VCF-style: chr2-108768392-A-G. GRCh37 (hg19) VCF-style: chr2-109384848-A-G.
Identifiers: ClinVar variation 382464 (VCV000382464.14), dbSNP rs2949961, ClinGen allele CA1823668.

ClinVar aggregate classification (germline): Benign. Review status: criteria provided, multiple submitters, no conflicts (2 of 4 stars). 4 submissions from 4 submitters: Benign (2). 2 of the submissions do not count toward it. Last evaluated 2026-01-15.

Conditions:
Familial acute necrotizing encephalopathy (IIAE3). Also called: ENCEPHALOPATHY, ACUTE, INFECTION-INDUCED, SUSCEPTIBILITY TO, 3; Susceptibility to Acute Necrotizing Encephalopathy 1. Identifiers: Orphanet 88619, MedGen C2675556, MONDO:0011953, OMIM 608033.

Allele frequency attached by ClinVar (database versions not stated): ESP Exome Variant Server 0.00066; gnomAD 0.00502 and 0.00577; TOPMed 0.00662; ExAC 0.00801; 1000 Genomes Project 0.01058; 1000 Genomes Project 30x 0.01093.
gnomAD v4.1: 7,506 of 1,599,878 alleles (0.47%); highest among the groups gnomAD compares: East Asian, 2.9%; 116 homozygotes.

Submissions (12):

Labcorp Genetics (formerly Invitae), Labcorp
Classification: Benign for Familial acute necrotizing encephalopathy. Last evaluated: 2026-01-15. Review status: criteria provided, single submitter. Criteria: Invitae Variant Classification Sherloc (09022015). Collection method: clinical testing. Allele origin: germline.

GeneDx
Classification: Benign. Last evaluated: 2016-03-22. Review status: criteria provided, single submitter. Criteria: GeneDx Variant Classification (06012015). Collection method: clinical testing. Allele origin: germline. Affected: yes.
Comment: This variant is considered likely benign or benign based on one or more of the following criteria: it is a conservative change, it occurs at a poorly conserved position in the protein, it is predicted to be benign by multiple in silico algorithms, and/or has population frequency not consistent with disease.

Dr. Peter K. Rogan Lab, Western University
No classification provided (evidence only). Condition: Familial cancer of breast. Review status: no classification provided. Collection method: in vitro. Allele origin: not applicable. Functional consequence: retained intron. Not counted in ClinVar's aggregate classification.

Dr. Peter K. Rogan Lab, Western University
No classification provided (evidence only). Condition: Familial cancer of breast. Review status: no classification provided. Collection method: in vitro. Allele origin: not applicable. Functional consequence: retained intron. Not counted in ClinVar's aggregate classification.

Dr. Peter K. Rogan Lab, Western University
No classification provided (evidence only). Condition: Ovarian serous cystadenocarcinoma. Review status: no classification provided. Collection method: in vitro. Allele origin: not applicable. Functional consequence: retained intron. Not counted in ClinVar's aggregate classification.

Dr. Peter K. Rogan Lab, Western University
No classification provided (evidence only). Condition: Malignant tumor of esophagus. Review status: no classification provided. Collection method: in vitro. Allele origin: not applicable. Functional consequence: retained intron. Not counted in ClinVar's aggregate classification.

Dr. Peter K. Rogan Lab, Western University
No classification provided (evidence only). Condition: Malignant tumor of esophagus. Review status: no classification provided. Collection method: in vitro. Allele origin: not applicable. Functional consequence: skipped exon. Not counted in ClinVar's aggregate classification.

Dr. Peter K. Rogan Lab, Western University
No classification provided (evidence only). Condition: Nonpapillary renal cell carcinoma. Review status: no classification provided. Collection method: in vitro. Allele origin: not applicable. Functional consequence: retained intron. Not counted in ClinVar's aggregate classification.

Dr. Peter K. Rogan Lab, Western University
No classification provided (evidence only). Condition: Familial pancreatic carcinoma. Review status: no classification provided. Collection method: in vitro. Allele origin: not applicable. Functional consequence: skipped exon. Not counted in ClinVar's aggregate classification.

Dr. Peter K. Rogan Lab, Western University
No classification provided (evidence only). Condition: Hepatocellular carcinoma. Review status: no classification provided. Collection method: in vitro. Allele origin: not applicable. Functional consequence: retained intron. Not counted in ClinVar's aggregate classification.

Genome Diagnostics Laboratory, University Medical Center Utrecht
Classification: Likely benign. Review status: no assertion criteria provided. Collection method: clinical testing. Allele origin: germline. Affected: yes. Study: VKGL Data-share Consensus. Not counted in ClinVar's aggregate classification.

Laboratory of Diagnostic Genome Analysis, Leiden University Medical Center (LUMC)
Classification: Likely benign. Review status: no assertion criteria provided. Collection method: clinical testing. Allele origin: germline. Affected: yes. Study: VKGL Data-share Consensus. Not counted in ClinVar's aggregate classification.